The following is an entry in ClinVar:

NM_201253.3(CRB1):c.3834G>A (p.Gln1278=)

Gene: CRB1 (crumbs cell polarity complex component 1; plus strand). Cytogenetic location: 1q31.3.
Variant type: single nucleotide variant.
Coding change: c.3834G>A on transcript NM_201253.3 (MANE Select); coding-DNA position 3834, G replaced by A.
Protein change: p.Gln1278=; no amino-acid change (glutamine 1278 retained).
Molecular consequence: synonymous variant. On other transcripts: non-coding transcript variant (2).
Genome position (GRCh38, 1-based): chr1:197,438,631, G>A. VCF-style: chr1-197438631-G-A. GRCh37 (hg19) VCF-style: chr1-197407761-G-A.
Other names: c.3498G>A, p.Gln1166= (NM_001193640.2); c.3762G>A, p.Gln1254= (NM_001257965.2); c.2226G>A, p.Gln742= (NM_001257966.2); c.3834G>A (NM_201253.2).
Identifiers: ClinVar variation 1136046 (VCV001136046.11), dbSNP rs1041984071, ClinGen allele CA35910469.

ClinVar aggregate classification (germline): Likely benign. Review status: criteria provided, single submitter (1 of 4 stars). 2 submissions from 2 submitters: Likely benign (1). 1 of the submissions does not count toward it. Last evaluated 2023-07-25.

Conditions:
CRB1-related disorder. Also called: CRB1-related disorders; CRB1-related condition.
Retinitis pigmentosa 12 (RP12). Also called: RP WITH OR WITHOUT PPRPE; RP WITH OR WITHOUT PRESERVED PARAARTERIOLE RETINAL PIGMENT EPITHELIUM; RETINITIS PIGMENTOSA WITH OR WITHOUT PARAARTERIOLAR PRESERVATION OF RETINAL PIGMENT EPITHELIUM. Identifiers: Orphanet 791, MedGen C1838647, MONDO:0010818, OMIM 600105.
Leber congenital amaurosis 8 (LCA8). Identifiers: Orphanet 65, MedGen C3151202, MONDO:0013453, OMIM 613835.

Allele frequency attached by ClinVar (database versions not stated): gnomAD exomes below 0.00001 and 0.00001; TOPMed below 0.00001; gnomAD 0.00001.
gnomAD v4.1: 6 of 1,612,752 alleles (0.00037%); highest among the groups gnomAD compares: Non-Finnish European, 0.00051%; no homozygotes.

Submissions (2):

Labcorp Genetics (formerly Invitae), Labcorp
Classification: Likely benign for Leber congenital amaurosis 8; Retinitis pigmentosa 12. Last evaluated: 2023-07-25. Review status: criteria provided, single submitter. Criteria: Invitae Variant Classification Sherloc (09022015). Collection method: clinical testing. Allele origin: germline.

PreventionGenetics, part of Exact Sciences
Classification: Likely benign for CRB1-related condition. Last evaluated: 2019-03-20. Review status: no assertion criteria provided. Collection method: clinical testing. Allele origin: germline. Not counted in ClinVar's aggregate classification.
Comment: This variant is classified as likely benign based on ACMG/AMP sequence variant interpretation guidelines (Richards et al. 2015 PMID: 25741868, with internal and published modifications).